The following is an entry in ClinVar:

NC_000001.10:g.(?_243652316)_(243652442_?)dup

Genes: AKT3 (AKT serine/threonine kinase 3; minus strand), SDCCAG8 (SHH signaling and ciliogenesis regulator SDCCAG8; plus strand). Cytogenetic location: 1q43.
Variant type: Duplication.
Identifiers: ClinVar variation 1067297 (VCV001067297.6).

ClinVar aggregate classification (germline): Likely pathogenic (1 of 4 stars; one submission).

Conditions:
Senior-Loken syndrome 7 (SLSN7). Identifiers: Orphanet 3156, MedGen C3150877, MONDO:0013326, OMIM 613615.
Bardet-Biedl syndrome 16 (BBS16). Identifiers: Orphanet 110, MedGen C3889474, MONDO:0014444, OMIM 615993.

Submission:

Labcorp Genetics (formerly Invitae), Labcorp
Classification: Likely pathogenic for Bardet-Biedl syndrome 16; Senior-Loken syndrome 7. Last evaluated: 2022-10-05. Review status: criteria provided, single submitter. Criteria: Invitae Variant Classification Sherloc (09022015). Collection method: clinical testing. Allele origin: germline.
Comment: In summary, the currently available evidence indicates that the variant is pathogenic, but additional data are needed to prove that conclusively. Therefore, this variant has been classified as Likely Pathogenic. This variant has not been reported in the literature in individuals affected with SDCCAG8-related conditions. This variant results in a copy number gain of the genomic region encompassing exon(s) 17 of the SDCCAG8 gene. While the exact position of this variant cannot be determined from the data, sub-genic copy number gains are generally in tandem (PMID: 25640679). This variant is predicted to be out-of-frame, and may result in an absent or disrupted protein product. Loss-of-function variants in SDCCAG8 are known to be pathogenic (PMID: 20835237, 22190896).

Literature cited by the submitters: PubMed 25640679; PubMed 20835237; PubMed 22190896.